The following is an entry in ClinVar:

ClinVar aggregate classification (germline): Uncertain significance (1 of 4 stars; one submission).

Conditions:
Inborn genetic diseases. Identifiers: MedGen C0950123, MeSH D030342.

gnomAD v4.1: 1 of 1,614,074 alleles (0.000062%); highest among the groups gnomAD compares: African/African-American, 0.0013%; no homozygotes.

Submission:

Ambry Genetics
Classification: Uncertain significance for Inborn genetic diseases. Last evaluated: 2025-05-23. Review status: criteria provided, single submitter. Criteria: Ambry Variant Classification Scheme 2023. Collection method: clinical testing. Allele origin: germline.
Comment: The p.S1253G variant (also known as c.3757A>G), located in coding exon 13 of the ASXL1 gene, results from an A to G substitution at nucleotide position 3757. The serine at codon 1253 is replaced by glycine, an amino acid with similar properties. This amino acid position is conserved. In addition, this alteration is predicted to be tolerated by in silico analysis. Based on the available evidence, the clinical significance of this variant remains unclear.

NM_015338.6(ASXL1):c.3757A>G (p.Ser1253Gly)

Gene: ASXL1 (ASXL transcriptional regulator 1; plus strand). Cytogenetic location: 20q11.21.
Variant type: single nucleotide variant.
Coding change: c.3757A>G on transcript NM_015338.6 (MANE Select); coding-DNA position 3757, A replaced by G.
Protein change: p.Ser1253Gly; replaces serine 1253 with glycine.
Molecular consequence: missense variant.
Genome position (GRCh38, 1-based): chr20:32,436,469, A>G. VCF-style: chr20-32436469-A-G. GRCh37 (hg19) VCF-style: chr20-31024272-A-G.
Other names: c.3574A>G, p.Ser1192Gly (NM_001363734.1); short protein forms S1192G, S1253G.
Identifiers: ClinVar variation 3957232 (VCV003957232.1).